The following is an entry in ClinVar:

NM_016219.5(MAN1B1):c.776A>G (p.His259Arg)

Gene: MAN1B1 (mannosidase alpha class 1B member 1; plus strand). Cytogenetic location: 9q34.3.
Variant type: single nucleotide variant.
Coding change: c.776A>G on transcript NM_016219.5 (MANE Select); coding-DNA position 776, A replaced by G.
Protein change: p.His259Arg; replaces histidine 259 with arginine.
Molecular consequence: missense variant. On other transcripts: non-coding transcript variant (2).
Genome position (GRCh38, 1-based): chr9:137,099,741, A>G. VCF-style: chr9-137099741-A-G. GRCh37 (hg19) VCF-style: chr9-139994193-A-G.
Other names: short protein forms H259R.
Identifiers: ClinVar variation 129583 (VCV000129583.11), dbSNP rs201673635, ClinGen allele CA231284.

ClinVar aggregate classification (germline): Uncertain significance. Review status: criteria provided, multiple submitters, no conflicts (2 of 4 stars). 2 submissions from 2 submitters: Uncertain significance (2). Last evaluated 2026-01-19.

Conditions:
Rafiq syndrome (RAFQS). Identifiers: Orphanet 88616, MedGen C3280127, MONDO:0013624, OMIM 614202.

Allele frequency attached by ClinVar (database versions not stated): gnomAD 0.00002 and 0.00003; ExAC 0.00004; TOPMed 0.00006; ESP Exome Variant Server 0.00008; gnomAD exomes 0.00010.
gnomAD v4.1: 63 of 1,614,094 alleles (0.0039%); highest among the groups gnomAD compares: Admixed American, 0.0067%; no homozygotes.

Submissions (2):

Labcorp Genetics (formerly Invitae), Labcorp
Classification: Uncertain significance for Rafiq syndrome. Last evaluated: 2026-01-19. Review status: criteria provided, single submitter. Criteria: Invitae Variant Classification Sherloc (09022015). Collection method: clinical testing. Allele origin: germline.
Comment: This sequence change replaces histidine, which is basic and polar, with arginine, which is basic and polar, at codon 259 of the MAN1B1 protein (p.His259Arg). This variant is present in population databases (rs201673635, gnomAD 0.2%). This variant has not been reported in the literature in individuals affected with MAN1B1-related conditions. ClinVar contains an entry for this variant (Variation ID: 129583). An algorithm developed to predict the effect of missense changes on protein structure and function (PolyPhen-2) suggests that this variant is likely to be disruptive. In summary, the available evidence is currently insufficient to determine the role of this variant in disease. Therefore, it has been classified as a Variant of Uncertain Significance.

Genetic Services Laboratory, University of Chicago
Classification: Uncertain significance. Last evaluated: 2014-02-11. Review status: criteria provided, single submitter. Criteria: ACMG Guidelines, 2007. Collection method: clinical testing. Allele origin: germline. Inheritance: Autosomal recessive inheritance.